The following is an entry in ClinVar:

ClinVar aggregate classification (germline): Uncertain significance (1 of 4 stars; one submission).

Conditions:
Intellectual developmental disorder, autosomal dominant 47. Also called: MENTAL RETARDATION, AUTOSOMAL DOMINANT 47; Intellectual disability, autosomal dominant 47. Identifiers: Orphanet 502434, MedGen C4539951, MONDO:0030912, OMIM 617635.

Submission:

Dasa
Classification: Uncertain significance for Intellectual developmental disorder, autosomal dominant 47. Last evaluated: 2025-07-26. Review status: criteria provided, single submitter. Criteria: DASA Assertion Criteria. Collection method: clinical testing. Allele origin: germline.
Comment: NM_005862.3(STAG1):c.1359G>C (p.Lys453Asn) is a missense variant that results in the substitution of lysine with asparagine. This variant is absent from population databases. The currently available literature and clinical evidence are not sufficient to establish a definitive association between this variant and the reported condition. Therefore, this variant is classified as a variant of uncertain significance.

NM_005862.3(STAG1):c.1359G>C (p.Lys453Asn)

Gene: STAG1 (STAG1 cohesin complex component; minus strand). Cytogenetic location: 3q22.3.
Variant type: single nucleotide variant.
Coding change: c.1359G>C on transcript NM_005862.3 (MANE Select); coding-DNA position 1359, G replaced by C.
Protein change: p.Lys453Asn; replaces lysine 453 with asparagine.
Molecular consequence: missense variant.
Genome position (GRCh38, 1-based): chr3:136,452,102, C>G on the plus strand (G>C on the coding strand, the complement: STAG1 is on the minus strand). VCF-style: chr3-136452102-C-G. GRCh37 (hg19) VCF-style: chr3-136170944-C-G.
Other names: short protein forms K453N.
Identifiers: ClinVar variation 4882077 (VCV004882077.2).
Genomic context (GRCh38, chr3:136,452,102, plus strand): 5'-AAGAAAGAAAAGAACCAGCATCCTAATGAGGTTTCCATTCGGGCTGTTTCTTCCCCTCCT[C>G]TTTGCTAATGCTTCTTCTGCTTGTGGGTCATGTCTGCTAAATAGCCTGGAAATGAAAAAC-3'
Protein context (NP_005853.2, residues 443-463): HDPQAEEALA[Lys453Asn]RRGRNSPNGN